The following is an entry in ClinVar:

ClinVar aggregate classification (germline): Uncertain significance (1 of 4 stars; one submission).

Submission:

Labcorp Genetics (formerly Invitae), Labcorp
Classification: Uncertain significance. Last evaluated: 2023-06-14. Review status: criteria provided, single submitter. Criteria: Invitae Variant Classification Sherloc (09022015). Collection method: clinical testing. Allele origin: germline.
Comment: This sequence change replaces proline, which is neutral and non-polar, with glutamine, which is neutral and polar, at codon 1626 of the ANK3 protein (p.Pro1626Gln). This variant is not present in population databases (gnomAD no frequency). This variant has not been reported in the literature in individuals affected with ANK3-related conditions. Advanced modeling of protein sequence and biophysical properties (such as structural, functional, and spatial information, amino acid conservation, physicochemical variation, residue mobility, and thermodynamic stability) performed at Invitae indicates that this missense variant is not expected to disrupt ANK3 protein function. In summary, the available evidence is currently insufficient to determine the role of this variant in disease. Therefore, it has been classified as a Variant of Uncertain Significance.

NM_020987.5(ANK3):c.4877C>A (p.Pro1626Gln)

Gene: ANK3 (ankyrin 3; minus strand). Cytogenetic location: 10q21.2.
Variant type: single nucleotide variant.
Coding change: c.4877C>A on transcript NM_020987.5 (MANE Select); coding-DNA position 4877, C replaced by A.
Protein change: p.Pro1626Gln; replaces proline 1626 with glutamine.
Molecular consequence: missense variant. On other transcripts: intron variant (4).
Genome position (GRCh38, 1-based): chr10:60,076,004, G>T on the plus strand (C>A on the coding strand, the complement: ANK3 is on the minus strand). VCF-style: chr10-60076004-G-T. GRCh37 (hg19) VCF-style: chr10-61835762-G-T.
Other names: c.1807+4533C>A (NM_001149.4); c.4387+4533C>A (NM_001204403.2); c.4408+4533C>A (NM_001204404.2); c.4405+4533C>A (NM_001320874.2); short protein forms P1626Q.
Identifiers: ClinVar variation 2976496 (VCV002976496.3), dbSNP rs2492577175, ClinGen allele CA377016698.